The following is an entry in ClinVar:

ClinVar aggregate classification (germline): Uncertain significance (1 of 4 stars; one submission).

Conditions:
Cardiovascular phenotype. Identifiers: MedGen CN230736.

gnomAD v4.1: 2 of 1,614,104 alleles (0.00012%); highest among the groups gnomAD compares: South Asian, 0.0011%; no homozygotes.

Submission:

Ambry Genetics
Classification: Uncertain significance for Cardiovascular phenotype. Last evaluated: 2026-08-10. Review status: criteria provided, single submitter. Criteria: Ambry Variant Classification Scheme 2023. Collection method: clinical testing. Allele origin: germline.
Comment: The p.L457F variant (also known as c.1369C>T), located in coding exon 10 of the ABCG5 gene, results from a C to T substitution at nucleotide position 1369. The leucine at codon 457 is replaced by phenylalanine, an amino acid with highly similar properties. This amino acid position is conserved. In addition, the in silico prediction for this alteration is inconclusive. Based on the available evidence, the clinical significance of this variant remains unclear.

NM_022436.3(ABCG5):c.1369C>T (p.Leu457Phe)

Genes: ABCG5 (ATP binding cassette subfamily G member 5; minus strand), DYNC2LI1 (dynein cytoplasmic 2 light intermediate chain 1; plus strand). Cytogenetic location: 2p21.
Variant type: single nucleotide variant.
Coding change: c.1369C>T on transcript NM_022436.3 (MANE Select); coding-DNA position 1369, C replaced by T.
Protein change: p.Leu457Phe; replaces leucine 457 with phenylalanine.
Molecular consequence: missense variant. On other transcripts: intron variant (2).
Genome position (GRCh38, 1-based): chr2:43,822,891, G>A on the plus strand (C>T on the coding strand, the complement: ABCG5 is on the minus strand). VCF-style: chr2-43822891-G-A. GRCh37 (hg19) VCF-style: chr2-44050030-G-A.
Other names: c.*16-4495G>A (NM_001348913.2, NM_001348912.2); short protein forms L457F.
Identifiers: ClinVar variation 5026713 (VCV005026713.1).
Genomic context (GRCh38, chr2:43,822,891, plus strand): 5'-CAACGCTGAAGGGGAGGACGTGCAGTGCATAGGCCAGCATCATCTGCCACTTCTGGTAGA[G>A]GCCGTCCTGACTCTCCTGGTCGCTGACAGCTCGCAGCACGGGAACTGGGGATGGAAGGCA-3'
Protein context (NP_071881.1, residues 447-467): AVSDQESQDG[Leu457Phe]YQKWQMMLAY